The following is an entry in ClinVar:

ClinVar aggregate classification (germline): Uncertain significance (1 of 4 stars; one submission).

Conditions:
Immunodeficiency 35 (IMD35). Also called: Susceptibility to infection due to TYK2 deficiency; HIES WITH ATYPICAL MYCOBACTERIOSIS, AUTOSOMAL RECESSIVE; HYPER-IgE SYNDROME WITH ATYPICAL MYCOBACTERIOSIS, AUTOSOMAL RECESSIVE; TYK2 DEFICIENCY. Identifiers: Orphanet 331226, MedGen C1969086, MONDO:0012682, OMIM 611521.

Allele frequency attached by ClinVar (database versions not stated): ExAC 0.00001; gnomAD exomes 0.00001; gnomAD 0.00002; TOPMed 0.00003; ESP Exome Variant Server 0.00008.
gnomAD v4.1: 7 of 1,613,486 alleles (0.00043%); highest among the groups gnomAD compares: African/African-American, 0.0093%; no homozygotes.

Submission:

Labcorp Genetics (formerly Invitae), Labcorp
Classification: Uncertain significance for Immunodeficiency 35. Last evaluated: 2021-12-13. Review status: criteria provided, single submitter. Criteria: Invitae Variant Classification Sherloc (09022015). Collection method: clinical testing. Allele origin: germline.
Comment: This sequence change replaces cysteine, which is neutral and slightly polar, with arginine, which is basic and polar, at codon 291 of the TYK2 protein (p.Cys291Arg). This variant is present in population databases (rs373767400, gnomAD 0.01%). This variant has not been reported in the literature in individuals affected with TYK2-related conditions. Algorithms developed to predict the effect of missense changes on protein structure and function are either unavailable or do not agree on the potential impact of this missense change (SIFT: "Not Available"; PolyPhen-2: "Benign"; Align-GVGD: "Not Available"). In summary, the available evidence is currently insufficient to determine the role of this variant in disease. Therefore, it has been classified as a Variant of Uncertain Significance.

NM_003331.5(TYK2):c.871T>C (p.Cys291Arg)

Gene: TYK2 (tyrosine kinase 2; minus strand). Cytogenetic location: 19p13.2.
Variant type: single nucleotide variant.
Coding change: c.871T>C on transcript NM_003331.5 (MANE Select); coding-DNA position 871, T replaced by C.
Protein change: p.Cys291Arg; replaces cysteine 291 with arginine.
Molecular consequence: missense variant.
Genome position (GRCh38, 1-based): chr19:10,365,657, A>G on the plus strand (T>C on the coding strand, the complement: TYK2 is on the minus strand). VCF-style: chr19-10365657-A-G. GRCh37 (hg19) VCF-style: chr19-10476333-A-G.
Other names: c.871T>C, p.Cys291Arg (NM_001385197.1, NM_001385198.1, NM_001385199.1 and 8 more transcripts); c.781T>C, p.Cys261Arg (NM_001385205.1); short protein forms C291R, C261R.
Identifiers: ClinVar variation 1943401 (VCV001943401.2), dbSNP rs373767400, ClinGen allele CA9193594.